The following is an entry in ClinVar:

NM_007272.3(CTRC):c.497A>G (p.Asn166Ser)

Gene: CTRC (chymotrypsin C; plus strand). Cytogenetic location: 1p36.21.
Variant type: single nucleotide variant.
Coding change: c.497A>G on transcript NM_007272.3 (MANE Select); coding-DNA position 497, A replaced by G.
Protein change: p.Asn166Ser; replaces asparagine 166 with serine.
Molecular consequence: missense variant.
Genome position (GRCh38, 1-based): chr1:15,444,609, A>G. VCF-style: chr1-15444609-A-G. GRCh37 (hg19) VCF-style: chr1-15771104-A-G.
Other names: short protein forms N166S.
Identifiers: ClinVar variation 2831385 (VCV002831385.3), dbSNP rs2103292246, ClinGen allele CA338566884.

ClinVar aggregate classification (germline): Uncertain significance (1 of 4 stars; one submission).

Conditions:
Hereditary pancreatitis (PCTT). Also called: Hereditary chronic pancreatitis; PRSS1-Related Hereditary Pancreatitis. Identifiers: Orphanet 676, MedGen C0238339, MONDO:0008185, OMIM 167800.

Submission:

Labcorp Genetics (formerly Invitae), Labcorp
Classification: Uncertain significance for Hereditary pancreatitis. Last evaluated: 2023-01-24. Review status: criteria provided, single submitter. Criteria: Invitae Variant Classification Sherloc (09022015). Collection method: clinical testing. Allele origin: germline.
Comment: This sequence change replaces asparagine, which is neutral and polar, with serine, which is neutral and polar, at codon 166 of the CTRC protein (p.Asn166Ser). This variant is not present in population databases (gnomAD no frequency). This variant has not been reported in the literature in individuals affected with CTRC-related conditions. Advanced modeling of protein sequence and biophysical properties (such as structural, functional, and spatial information, amino acid conservation, physicochemical variation, residue mobility, and thermodynamic stability) performed at Invitae indicates that this missense variant is not expected to disrupt CTRC protein function. Algorithms developed to predict the effect of sequence changes on RNA splicing suggest that this variant may create or strengthen a splice site. In summary, the available evidence is currently insufficient to determine the role of this variant in disease. Therefore, it has been classified as a Variant of Uncertain Significance.